The following is an entry in ClinVar:

NM_000460.4(THPO):c.209G>C (p.Gly70Ala)

Gene: THPO (thrombopoietin; minus strand). Cytogenetic location: 3q27.1.
Variant type: single nucleotide variant.
Coding change: c.209G>C on transcript NM_000460.4 (MANE Select); coding-DNA position 209, G replaced by C.
Protein change: p.Gly70Ala; replaces glycine 70 with alanine.
Molecular consequence: missense variant.
Genome position (GRCh38, 1-based): chr3:184,375,534, C>G on the plus strand (G>C on the coding strand, the complement: THPO is on the minus strand). VCF-style: chr3-184375534-C-G. GRCh37 (hg19) VCF-style: chr3-184093322-C-G.
Other names: c.209G>C, p.Gly70Ala (NM_001177597.2, NM_001177598.2, NM_001289997.1 and 5 more transcripts); c.629G>C, p.Gly210Ala (NM_001290003.1); short protein forms G210A, G70A.
Identifiers: ClinVar variation 3600900 (VCV003600900.1).

ClinVar aggregate classification (germline): Uncertain significance (1 of 4 stars; one submission).

Submission:

GeneDx
Classification: Uncertain significance. Last evaluated: 2024-07-26. Review status: criteria provided, single submitter. Criteria: GeneDx Variant Classification Process June 2021. Collection method: clinical testing. Allele origin: germline. Affected: yes.
Comment: Not observed at significant frequency in large population cohorts (gnomAD); In silico analysis supports that this missense variant has a deleterious effect on protein structure/function; Has not been previously published as pathogenic or benign to our knowledge.